The following is an entry in ClinVar:

ClinVar aggregate classification (germline): Pathogenic. Review status: criteria provided, multiple submitters, no conflicts (2 of 4 stars). 3 submissions from 3 submitters: Pathogenic (3). Last evaluated 2024-08-23.

Conditions:
Autosomal recessive polycystic kidney disease (ARPKD). Also called: AR polycystic kidney disease. Identifiers: Orphanet 731, Orphanet 8378, MedGen C0085548, MeSH D017044, MONDO:0009889.
Polycystic kidney disease 4 (PKD4). Also called: POLYCYSTIC KIDNEY AND HEPATIC DISEASE 1; POLYCYSTIC KIDNEY DISEASE, INFANTILE, TYPE I; POLYCYSTIC KIDNEY DISEASE 4 WITH OR WITHOUT POLYCYSTIC LIVER DISEASE; PKD3; Autosomal Recessive Polycystic Kidney Disease – PKHD1. Identifiers: MedGen C4540575, MONDO:0033004, OMIM 263200.

Allele frequency attached by ClinVar (database versions not stated): gnomAD exomes 0.00001.
gnomAD v4.1: 8 of 1,607,040 alleles (0.0005%); highest among the groups gnomAD compares: Non-Finnish European, 0.00068%; no homozygotes.

Submissions (3):

Natera, Inc.
Classification: Pathogenic for Autosomal recessive polycystic kidney disease. Last evaluated: 2024-08-23. Review status: criteria provided, single submitter. Criteria: Natera Variant Classification Schema (03/2026). Collection method: clinical testing. Allele origin: germline.
Comment: The c.547C>T variant in PKHD1 is a nonsense variant predicted to introduce a stop codon at amino acid 183. This variant is expected to result in nonsense mediated decay, truncation, or a dysfunctional protein product. This variant is rare in the general population with a frequency below the threshold expected for the associated phenotype(s). This variant has been observed in one or more individuals affected with the associated recessive disease, as either homozygous or compound heterozygous with a second variant (PMID: 29956005). Given the available evidence, this variant is classified as Pathogenic.

Labcorp Genetics (formerly Invitae), Labcorp
Classification: Pathogenic for Autosomal recessive polycystic kidney disease. Last evaluated: 2023-12-12. Review status: criteria provided, single submitter. Criteria: Invitae Variant Classification Sherloc (09022015). Collection method: clinical testing. Allele origin: germline.
Comment: This sequence change creates a premature translational stop signal (p.Gln183*) in the PKHD1 gene. It is expected to result in an absent or disrupted protein product. Loss-of-function variants in PKHD1 are known to be pathogenic (PMID: 19940839). This variant is not present in population databases (gnomAD no frequency). This premature translational stop signal has been observed in individual(s) with autosomal recessive polycystic kidney disease (PMID: 29956005). ClinVar contains an entry for this variant (Variation ID: 1070196). Algorithms developed to predict the effect of sequence changes on RNA splicing suggest that this variant may disrupt the consensus splice site. For these reasons, this variant has been classified as Pathogenic.

Fulgent Genetics
Classification: Pathogenic for Polycystic kidney disease 4. Last evaluated: 2022-01-28. Review status: criteria provided, single submitter. Criteria: ACMG Guidelines, 2015. Collection method: clinical testing. Allele origin: unknown.

Literature cited by the submitters: PubMed 29956005 (cited by Natera, Inc. and Labcorp Genetics (formerly Invitae), Labcorp); PubMed 19940839 (cited by Labcorp Genetics (formerly Invitae), Labcorp).

NM_138694.4(PKHD1):c.547C>T (p.Gln183Ter)

Gene: PKHD1 (PKHD1 ciliary IPT domain containing fibrocystin/polyductin; minus strand). Cytogenetic location: 6p12.2.
Variant type: single nucleotide variant.
Coding change: c.547C>T on transcript NM_138694.4 (MANE Select); coding-DNA position 547, C replaced by T.
Protein change: p.Gln183Ter; replaces glutamine 183 with a stop codon.
Molecular consequence: nonsense.
Genome position (GRCh38, 1-based): chr6:52,072,170, G>A on the plus strand (C>T on the coding strand, the complement: PKHD1 is on the minus strand). VCF-style: chr6-52072170-G-A. GRCh37 (hg19) VCF-style: chr6-51936968-G-A.
Other names: c.547C>T, p.Gln183Ter (NM_170724.3); c.547C>T (NM_138694.3); short protein forms Q183*.
Identifiers: ClinVar variation 1070196 (VCV001070196.11), dbSNP rs2128231908, ClinGen allele CA364435362.